The following is an entry in ClinVar:

NM_003628.6(PKP4):c.1675G>A (p.Asp559Asn)

Gene: PKP4 (plakophilin 4; plus strand). Cytogenetic location: 2q24.1.
Variant type: single nucleotide variant.
Coding change: c.1675G>A on transcript NM_003628.6 (MANE Select); coding-DNA position 1675, G replaced by A.
Protein change: p.Asp559Asn; replaces aspartic acid 559 with asparagine.
Molecular consequence: missense variant.
Genome position (GRCh38, 1-based): chr2:158,640,739, G>A. VCF-style: chr2-158640739-G-A. GRCh37 (hg19) VCF-style: chr2-159497251-G-A.
Other names: c.1675G>A, p.Asp559Asn (NM_001005476.4, NM_001304971.2, NM_001377218.1 and 1 more transcripts); c.1672G>A, p.Asp558Asn (NM_001304969.3, NM_001377219.1, NM_001377220.1 and 2 more transcripts); c.646G>A, p.Asp216Asn (NM_001304970.3); c.1669G>A, p.Asp557Asn (NM_001377222.1, NM_001377223.1); c.1666G>A, p.Asp556Asn (NM_001377224.1); short protein forms D558N, D216N, D557N, D559N, D556N.
Identifiers: ClinVar variation 3889681 (VCV003889681.1).

ClinVar aggregate classification (germline): Uncertain significance (1 of 4 stars; one submission).

Submission:

Ambry Genetics
Classification: Uncertain significance. Last evaluated: 2024-12-13. Review status: criteria provided, single submitter. Criteria: Ambry Variant Classification Scheme 2023. Collection method: clinical testing. Allele origin: germline.
Comment: The p.D559N variant (also known as c.1675G>A), located in coding exon 9 of the PKP4 gene, results from a G to A substitution at nucleotide position 1675. The aspartic acid at codon 559 is replaced by asparagine, an amino acid with highly similar properties. This amino acid position is conserved. In addition, this alteration is predicted to be tolerated by in silico analysis. Based on the available evidence, the clinical significance of this variant remains unclear.